The following is an entry in ClinVar:

NM_001018115.3(FANCD2):c.2484G>A (p.Lys828=)

Genes: FANCD2 (FA complementation group D2; plus strand), LOC107303338 (3p25 FANCD2 Alu-mediated recombination region; plus strand). Cytogenetic location: 3p25.3.
Variant type: single nucleotide variant.
Coding change: c.2484G>A on transcript NM_001018115.3 (MANE Select); coding-DNA position 2484, G replaced by A.
Protein change: p.Lys828=; no amino-acid change (lysine 828 retained).
Molecular consequence: synonymous variant.
Genome position (GRCh38, 1-based): chr3:10,067,307, G>A. VCF-style: chr3-10067307-G-A. GRCh37 (hg19) VCF-style: chr3-10108991-G-A.
Other names: NP_001018125.1:p.Lys828=; c.2484G>A, p.Lys828= (NM_001319984.2, NM_001374254.1, NM_033084.6); c.2373G>A, p.Lys791= (NM_001374253.1); c.2484G>A (NM_033084.4).
Identifiers: ClinVar variation 414647 (VCV000414647.30), dbSNP rs55980657, ClinGen allele CA2250091.
Genomic context (GRCh38, chr3:10,067,307, plus strand): 5'-GAAGGGGAAGGTGCTCACTCGGTTAAAGCACATTGTAGAATTGCAAATAATCCTGGAAAA[G>A]TACTTGGCAGGTAAGAGAAGTGTCCTATACTGGTAGTACTACTAGGCCAGTAGTGAGGCA-3'
Protein context (NP_001018125.1, residues 818-838): HIVELQIILE[Lys828=]YLAVTPDYVP

ClinVar aggregate classification (germline): Benign/Likely benign. Review status: criteria provided, multiple submitters, no conflicts (2 of 4 stars). 9 submissions from 9 submitters: Benign (5); Likely benign (4). Last evaluated 2026-02-02.

Conditions:
Hereditary breast ovarian cancer syndrome. Also called: Hereditary breast and ovarian cancer; Hereditary breast and ovarian cancer syndrome (HBOC); Hereditary breast and/or ovarian cancer syndrome; Breast and ovarian cancer; Hereditary breast and ovarian cancer syndrome; BRCA1- and BRCA2-Associated Hereditary Breast and Ovarian Cancer. Identifiers: Orphanet 145, MedGen C0677776, MeSH D061325, MONDO:0003582. Disease mechanism: loss of function.
Fanconi anemia (FA). Also called: Fanconi's anemia. Identifiers: Orphanet 84, MedGen C0015625, MeSH D005199, MONDO:0019391.
Fanconi anemia complementation group D2. Also called: FANCD2-Related Fanconi Anemia; FANCONI PANCYTOPENIA, TYPE 4; FANCONI ANEMIA, COMPLEMENTATION GROUP D. Identifiers: Orphanet 84, MedGen C3160738, MONDO:0009214, OMIM 227646.

Allele frequency attached by ClinVar (database versions not stated): ExAC 0.00269; 1000 Genomes Project 30x 0.00734; ESP Exome Variant Server 0.00753; 1000 Genomes Project 0.00759; gnomAD 0.00811 and 0.00869; TOPMed 0.00912.
gnomAD v4.1: 2,555 of 1,606,794 alleles (0.16%); highest among the groups gnomAD compares: African/African-American, 2.9%; 37 homozygotes.

Submissions (9):

Labcorp Genetics (formerly Invitae), Labcorp
Classification: Benign for Fanconi anemia. Last evaluated: 2026-02-02. Review status: criteria provided, single submitter. Criteria: Invitae Variant Classification Sherloc (09022015). Collection method: clinical testing. Allele origin: germline.

ARUP Laboratories, Molecular Genetics and Genomics, ARUP Laboratories
Classification: Benign for Fanconi anemia complementation group D2. Last evaluated: 2024-02-22. Review status: criteria provided, single submitter. Criteria: ARUP Molecular Germline Variant Investigation Process 2024. Collection method: clinical testing. Allele origin: germline.

KCCC/NGS Laboratory, Kuwait Cancer Control Center
Classification: Benign for Fanconi anemia complementation group D2. Last evaluated: 2023-07-07. Review status: criteria provided, single submitter. Criteria: ACMG Guidelines, 2015. Collection method: clinical testing. Allele origin: germline. Affected: yes.

Fulgent Genetics
Classification: Likely benign for Fanconi anemia complementation group D2. Last evaluated: 2022-05-18. Review status: criteria provided, single submitter. Criteria: ACMG Guidelines, 2015. Collection method: clinical testing. Allele origin: unknown.

National Health Laboratory Service, Universitas Academic Hospital and University of the Free State
Classification: Benign for Hereditary breast ovarian cancer syndrome. Last evaluated: 2022-04-19. Review status: criteria provided, single submitter. Criteria: ACMG Guidelines, 2015. Collection method: clinical testing. Allele origin: germline. Affected: yes. Observed: 19 variant alleles.

Genetic Services Laboratory, University of Chicago
Classification: Benign. Last evaluated: 2021-11-22. Review status: criteria provided, single submitter. Criteria: ACMG Guidelines, 2015. Collection method: clinical testing. Allele origin: germline. Affected: no.

GeneDx
Classification: Likely benign. Last evaluated: 2020-12-11. Review status: criteria provided, single submitter. Criteria: GeneDx Variant Classification Process June 2021. Collection method: clinical testing. Allele origin: germline. Affected: yes.

Illumina Laboratory Services, Illumina
Classification: Likely benign for Fanconi anemia complementation group D2. Last evaluated: 2017-04-27. Review status: criteria provided, single submitter. Criteria: ICSL Variant Classification Criteria 13 December 2019. Collection method: clinical testing. Allele origin: germline.
Comment: This variant was observed as part of a predisposition screen in an ostensibly healthy population. A literature search was performed for the gene, cDNA change, and amino acid change (where applicable). No publications were found based on this search. Allele frequency data from public databases allowed determination this variant is unlikely to cause disease. Therefore, this variant is classified as likely benign.

Breakthrough Genomics
Classification: Likely benign. Review status: criteria provided, single submitter. Criteria: ACMG Guidelines, 2015. Collection method: not provided. Allele origin: germline. Inheritance: Autosomal recessive inheritance. Affected: yes.